The following is an entry in ClinVar:

NM_015466.4(PTPN23):c.761T>G (p.Leu254Arg)

Gene: PTPN23 (protein tyrosine phosphatase non-receptor type 23; plus strand). Cytogenetic location: 3p21.31.
Variant type: single nucleotide variant.
Coding change: c.761T>G on transcript NM_015466.4 (MANE Select); coding-DNA position 761, T replaced by G.
Protein change: p.Leu254Arg; replaces leucine 254 with arginine.
Molecular consequence: missense variant.
Genome position (GRCh38, 1-based): chr3:47,406,704, T>G. VCF-style: chr3-47406704-T-G. GRCh37 (hg19) VCF-style: chr3-47448194-T-G.
Other names: c.383T>G, p.Leu128Arg (NM_001304482.2); short protein forms L254R, L128R.
Identifiers: ClinVar variation 1347937 (VCV001347937.8), dbSNP rs2107715726, ClinGen allele CA352545730.

ClinVar aggregate classification (germline): Uncertain significance (1 of 4 stars; one submission).

Submission:

Labcorp Genetics (formerly Invitae), Labcorp
Classification: Uncertain significance. Last evaluated: 2021-03-04. Review status: criteria provided, single submitter. Criteria: Invitae Variant Classification Sherloc (09022015). Collection method: clinical testing. Allele origin: germline.
Comment: This variant has not been reported in the literature in individuals with PTPN23-related conditions. Algorithms developed to predict the effect of missense changes on protein structure and function are either unavailable or do not agree on the potential impact of this missense change (SIFT: "Deleterious"; PolyPhen-2: "Not Available"; Align-GVGD: "Class C25"). In summary, the available evidence is currently insufficient to determine the role of this variant in disease. Therefore, it has been classified as a Variant of Uncertain Significance. This variant is not present in population databases (ExAC no frequency). This sequence change replaces leucine with arginine at codon 254 of the PTPN23 protein (p.Leu254Arg). The leucine residue is highly conserved and there is a moderate physicochemical difference between leucine and arginine.